The following is an entry in ClinVar:

GRCh38/hg38 7q11.22(chr7:70738600-70793799)x1

Genes: AUTS2 (activator of transcription and developmental regulator AUTS2; plus strand), LOC129998570 (ATAC-STARR-seq lymphoblastoid active region 26112; plus strand), LOC129998571 (ATAC-STARR-seq lymphoblastoid silent region 18234; plus strand). Cytogenetic location: 7q11.22.
Variant type: copy number loss.
Change: copy number 1 (one copy instead of two) of chr7:70,738,600-70,793,799 (55.2 kb, GRCh38 coordinates, 1-based), cytogenetic band 7q11.22.
Identifiers: ClinVar variation 4880270 (VCV004880270.1).

ClinVar aggregate classification (germline): Pathogenic (1 of 4 stars; one submission).

Conditions:
Autism spectrum disorder due to AUTS2 deficiency (MRD26). Also called: INTELLECTUAL DEVELOPMENTAL DISORDER, AUTOSOMAL DOMINANT 26. Identifiers: Orphanet 352490, MedGen C4014435, MONDO:0014361, OMIM 615834.

Submission:

Clinical Omics and Informatics (COIN) Unit, Neuroscience Institute, University Of Cape Town
Classification: Pathogenic for Autism spectrum disorder due to AUTS2 deficiency. Last evaluated: 2026-07-21. Review status: criteria provided, single submitter. Criteria: ACMG/ClinGen CNV Guidelines, 2019. Collection method: research. Allele origin: unknown. Inheritance: Autosomal dominant inheritance. Affected: yes. Observed: 1 variant allele, 1 heterozygote.
Comment: AUTS2 ClinGen dosage sensitivity: sufficient evidence for haploinsufficiency (3). 1A. Contains protein-coding or other known functionally important elements (Met). 2D. Partial overlap with the 3’ end of an established HI gene (5’ end of the gene not involved) and 2D-4. it includes other exons in addition to the last exon. Nonsense-mediated decay is expected to occur (0.9 points). 5G. Inheritance information is unavailable or uninformative. The patient phenotype is non-specific, but is consistent with what has been described in similar cases (0.1 points). Total points=1.00 (pathogenic).